The following is an entry in ClinVar:

ClinVar aggregate classification (germline): Benign/Likely benign. Review status: criteria provided, multiple submitters, no conflicts (2 of 4 stars). 3 submissions from 3 submitters: Benign (1); Likely benign (1). 1 of the submissions does not count toward it. Last evaluated 2025-09-17.

Conditions:
KRT6B-related disorder. Also called: KRT6B-related condition.

Allele frequency attached by ClinVar (database versions not stated): 1000 Genomes Project 30x 0.00016; ExAC 0.00018; 1000 Genomes Project 0.00020; ESP Exome Variant Server 0.00046; gnomAD 0.00069; TOPMed 0.00072.

Submissions (3):

Labcorp Genetics (formerly Invitae), Labcorp
Classification: Benign. Last evaluated: 2025-09-17. Review status: criteria provided, single submitter. Criteria: Invitae Variant Classification Sherloc (09022015). Collection method: clinical testing. Allele origin: germline.

Blueprint Genetics
Classification: Likely benign. Last evaluated: 2023-02-15. Review status: criteria provided, single submitter. Criteria: ACMG Guidelines, 2015. Collection method: clinical testing. Allele origin: germline.

PreventionGenetics, part of Exact Sciences
Classification: Likely benign for KRT6B-related condition. Last evaluated: 2019-06-14. Review status: no assertion criteria provided. Collection method: clinical testing. Allele origin: germline. Not counted in ClinVar's aggregate classification.
Comment: This variant is classified as likely benign based on ACMG/AMP sequence variant interpretation guidelines (Richards et al. 2015 PMID: 25741868, with internal and published modifications).

NM_005555.4(KRT6B):c.711G>A (p.Ser237=)

Gene: KRT6B (keratin 6B; minus strand). Cytogenetic location: 12q13.13.
Variant type: single nucleotide variant.
Coding change: c.711G>A on transcript NM_005555.4 (MANE Select); coding-DNA position 711, G replaced by A.
Protein change: p.Ser237=; no amino-acid change (serine 237 retained).
Molecular consequence: synonymous variant.
Genome position (GRCh38, 1-based): chr12:52,450,450, C>T on the plus strand (G>A on the coding strand, the complement: KRT6B is on the minus strand). VCF-style: chr12-52450450-C-T. GRCh37 (hg19) VCF-style: chr12-52844234-C-T.
Other names: c.711G>A (NM_005555.3).
Identifiers: ClinVar variation 2059619 (VCV002059619.7), dbSNP rs149632179, ClinGen allele CA6580731.